The following is an entry in ClinVar:

ClinVar aggregate classification (germline): Uncertain significance (1 of 4 stars; one submission).

Conditions:
Orthostatic hypotension 1 (ORTHYP1). Also called: Dopamine beta-hydroxylase deficiency; Orthostatic hypotension 1, due to DBH deficiency; NORADRENALINE DEFICIENCY; NOREPINEPHRINE DEFICIENCY. Identifiers: Orphanet 230, MedGen C4746777, MONDO:0009123, OMIM 223360.

Allele frequency attached by ClinVar (database versions not stated): ExAC 0.00006; gnomAD exomes 0.00007 and 0.00012; ESP Exome Variant Server 0.00008; gnomAD 0.00023 and 0.00024; TOPMed 0.00025.
gnomAD v4.1: 138 of 1,614,036 alleles (0.0085%); highest among the groups gnomAD compares: Middle Eastern, 0.099%; 1 homozygote.

Submission:

Labcorp Genetics (formerly Invitae), Labcorp
Classification: Uncertain significance for Orthostatic hypotension 1. Last evaluated: 2023-12-06. Review status: criteria provided, single submitter. Criteria: Invitae Variant Classification Sherloc (09022015). Collection method: clinical testing. Allele origin: germline.
Comment: This sequence change replaces arginine, which is basic and polar, with histidine, which is basic and polar, at codon 359 of the DBH protein (p.Arg359His). This variant is present in population databases (rs140171769, gnomAD 0.05%). This variant has not been reported in the literature in individuals affected with DBH-related conditions. ClinVar contains an entry for this variant (Variation ID: 1350888). Advanced modeling of protein sequence and biophysical properties (such as structural, functional, and spatial information, amino acid conservation, physicochemical variation, residue mobility, and thermodynamic stability) performed at Invitae indicates that this missense variant is not expected to disrupt DBH protein function with a negative predictive value of 80%. In summary, the available evidence is currently insufficient to determine the role of this variant in disease. Therefore, it has been classified as a Variant of Uncertain Significance.

NM_000787.4(DBH):c.1076G>A (p.Arg359His)

Gene: DBH (dopamine beta-hydroxylase; plus strand). Cytogenetic location: 9q34.2.
Variant type: single nucleotide variant.
Coding change: c.1076G>A on transcript NM_000787.4 (MANE Select); coding-DNA position 1076, G replaced by A.
Protein change: p.Arg359His; replaces arginine 359 with histidine.
Molecular consequence: missense variant.
Genome position (GRCh38, 1-based): chr9:133,647,897, G>A. VCF-style: chr9-133647897-G-A. GRCh37 (hg19) VCF-style: chr9-136513019-G-A.
Other names: short protein forms R359H.
Identifiers: ClinVar variation 1350888 (VCV001350888.5), dbSNP rs140171769, ClinGen allele CA5313307.